The following is an entry in ClinVar:

NM_021784.5(FOXA2):c.1349A>G (p.Tyr450Cys)

Gene: FOXA2 (forkhead box A2; minus strand). Cytogenetic location: 20p11.21.
Variant type: single nucleotide variant.
Coding change: c.1349A>G on transcript NM_021784.5 (MANE Select); coding-DNA position 1349, A replaced by G.
Protein change: p.Tyr450Cys; replaces tyrosine 450 with cysteine.
Molecular consequence: missense variant.
Genome position (GRCh38, 1-based): chr20:22,581,893, T>C on the plus strand (A>G on the coding strand, the complement: FOXA2 is on the minus strand). VCF-style: chr20-22581893-T-C. GRCh37 (hg19) VCF-style: chr20-22562531-T-C.
Other names: c.1331A>G, p.Tyr444Cys (NM_153675.3); short protein forms Y450C, Y444C.
Identifiers: ClinVar variation 4738016 (VCV004738016.1).
Genomic context (GRCh38, chr20:22,581,893, plus strand): 5'-CTGAAGCCGTCGTCTTCTTAAGAGGAGTTCATAATGGGCCGGGAGTACACCCCCTGGTAG[T>C]AGGAGGTATCTGCGGCCAGGGGCGAGGCGTCCAGGCCCGTTTTGTTCGTGACCGGGCCCA-3'
Protein context (NP_068556.2, residues 440-460): DASPLAADTS[Tyr450Cys]YQGVYSRPIM

ClinVar aggregate classification (germline): Uncertain significance (1 of 4 stars; one submission).

gnomAD v4.1: 10 of 1,606,120 alleles (0.00062%); highest among the groups gnomAD compares: South Asian, 0.0066%; no homozygotes.

Submission:

Labcorp Genetics (formerly Invitae), Labcorp
Classification: Uncertain significance. Last evaluated: 2025-12-27. Review status: criteria provided, single submitter. Criteria: Invitae Variant Classification Sherloc (09022015). Collection method: clinical testing. Allele origin: germline.
Comment: This sequence change replaces tyrosine, which is neutral and polar, with cysteine, which is neutral and slightly polar, at codon 450 of the FOXA2 protein (p.Tyr450Cys). This variant is present in population databases (rs753849283, gnomAD 0.02%). This variant has not been reported in the literature in individuals affected with FOXA2-related conditions. An algorithm developed to predict the effect of missense changes on protein structure and function (PolyPhen-2) suggests that this variant is likely to be disruptive. In summary, the available evidence is currently insufficient to determine the role of this variant in disease. Therefore, it has been classified as a Variant of Uncertain Significance.